The following is an entry in ClinVar:

NM_006118.4(HAX1):c.193T>G (p.Phe65Val)

Gene: HAX1 (HCLS1 associated protein X-1; plus strand). Cytogenetic location: 1q21.3.
Variant type: single nucleotide variant.
Coding change: c.193T>G on transcript NM_006118.4 (MANE Select); coding-DNA position 193, T replaced by G.
Protein change: p.Phe65Val; replaces phenylalanine 65 with valine.
Molecular consequence: missense variant. On other transcripts: intron variant (1).
Genome position (GRCh38, 1-based): chr1:154,273,475, T>G. VCF-style: chr1-154273475-T-G. GRCh37 (hg19) VCF-style: chr1-154245951-T-G.
Other names: c.54-5T>G (NM_001018837.2); short protein forms F65V.
Identifiers: ClinVar variation 962553 (VCV000962553.13), dbSNP rs1648509630, ClinGen allele CA342591486.
Genomic context (GRCh38, chr1:154,273,475, plus strand): 5'-GGCCGTGGGAACCCAAGGTTCCATAGTCCTCAGCACCCCCCTGAGGAATTTGGCTTCGGC[T>G]TCAGCTTCAGCCCAGGAGGAGGGATACGTTTCCACGATAACTTCGGCTTTGATGACCTAG-3'
Protein context (NP_006109.2, residues 55-75): QHPPEEFGFG[Phe65Val]SFSPGGGIRF

ClinVar aggregate classification (germline): Uncertain significance. Review status: criteria provided, multiple submitters, no conflicts (2 of 4 stars). 3 submissions from 3 submitters: Uncertain significance (2). 1 of the submissions does not count toward it. Last evaluated 2024-11-25.

Conditions:
Inborn genetic diseases. Identifiers: MedGen C0950123, MeSH D030342.
Kostmann syndrome (SCN3). Also called: KOSTMANN DISEASE; Autosomal recessive severe congenital neutropenia type 3. Identifiers: Orphanet 99749, MedGen C5235141, MONDO:0012548, OMIM 610738.

Allele frequency attached by ClinVar (database versions not stated): gnomAD exomes below 0.00001; gnomAD 0.00001; TOPMed 0.00001.
gnomAD v4.1: 9 of 1,614,052 alleles (0.00056%); highest among the groups gnomAD compares: African/African-American, 0.0027%; no homozygotes.

Submissions (3):

Ambry Genetics
Classification: Uncertain significance for Inborn genetic diseases. Last evaluated: 2024-11-25. Review status: criteria provided, single submitter. Criteria: Ambry Variant Classification Scheme 2023. Collection method: clinical testing. Allele origin: germline.
Comment: The p.F65V variant (also known as c.193T>G), located in coding exon 2 of the HAX1 gene, results from a T to G substitution at nucleotide position 193. The phenylalanine at codon 65 is replaced by valine, an amino acid with highly similar properties. This amino acid position is conserved. In addition, the in silico prediction for this alteration is inconclusive. Based on the available evidence, the clinical significance of this variant remains unclear.

Labcorp Genetics (formerly Invitae), Labcorp
Classification: Uncertain significance for Kostmann syndrome. Last evaluated: 2024-10-14. Review status: criteria provided, single submitter. Criteria: Invitae Variant Classification Sherloc (09022015). Collection method: clinical testing. Allele origin: germline.
Comment: This sequence change replaces phenylalanine, which is neutral and non-polar, with valine, which is neutral and non-polar, at codon 65 of the HAX1 protein (p.Phe65Val). This variant is not present in population databases (gnomAD no frequency). This variant has not been reported in the literature in individuals affected with HAX1-related conditions. ClinVar contains an entry for this variant (Variation ID: 962553). Invitae Evidence Modeling of protein sequence and biophysical properties (such as structural, functional, and spatial information, amino acid conservation, physicochemical variation, residue mobility, and thermodynamic stability) indicates that this missense variant is not expected to disrupt HAX1 protein function with a negative predictive value of 80%. In summary, the available evidence is currently insufficient to determine the role of this variant in disease. Therefore, it has been classified as a Variant of Uncertain Significance.

Natera, Inc.
Classification: Uncertain significance for Autosomal recessive severe congenital neutropenia type 3. Last evaluated: 2020-09-04. Review status: no assertion criteria provided. Collection method: clinical testing. Allele origin: germline. Not counted in ClinVar's aggregate classification.